The following is an entry in ClinVar:

NM_001282771.3(ANKMY1):c.3027C>T (p.Cys1009=)

Gene: ANKMY1 (ankyrin repeat and MYND domain containing 1; minus strand). Cytogenetic location: 2q37.3.
Variant type: single nucleotide variant.
Coding change: c.3027C>T on transcript NM_001282771.3 (MANE Select); coding-DNA position 3027, C replaced by T.
Protein change: p.Cys1009=; no amino-acid change (cysteine 1009 retained).
Molecular consequence: synonymous variant. On other transcripts: non-coding transcript variant (9).
Genome position (GRCh38, 1-based): chr2:240,480,956, G>A on the plus strand (C>T on the coding strand, the complement: ANKMY1 is on the minus strand). VCF-style: chr2-240480956-G-A. GRCh37 (hg19) VCF-style: chr2-241420373-G-A.
Other names: c.1821C>T, p.Cys607= (NM_001393470.1, NM_001393465.1); c.1815C>T, p.Cys605= (NM_001393471.1); c.1518C>T, p.Cys506= (NM_001393476.1); c.2760C>T, p.Cys920= (NM_016552.5); c.2088C>T, p.Cys696= (NM_017844.4); c.2097C>T, p.Cys699= (NM_001282780.2); c.2043C>T, p.Cys681= (NM_001282781.2); c.2466C>T, p.Cys822= (NM_001308375.4); and 7 more.
Identifiers: ClinVar variation 2652090 (VCV002652090.24), dbSNP rs147804085, ClinGen allele CA2203443.

ClinVar aggregate classification (germline): Likely benign (1 of 4 stars; one submission).

Allele frequency attached by ClinVar (database versions not stated): 1000 Genomes Project 0.00240; 1000 Genomes Project 30x 0.00265; ESP Exome Variant Server 0.00461; ExAC 0.00519.
gnomAD v4.1: 8,046 of 1,611,586 alleles (0.5%); highest among the groups gnomAD compares: Middle Eastern, 0.56%; 42 homozygotes.

Submission:

CeGaT Center for Human Genetics Tuebingen
Classification: Likely benign. Last evaluated: 2023-04-01. Review status: criteria provided, single submitter. Criteria: CeGaT Center For Human Genetics Tuebingen Variant Classification Criteria Version 2. Collection method: clinical testing. Allele origin: germline. Affected: yes. Observed: 1 variant allele.
Comment: ANKMY1: BP4, BP7, BS2